The following is an entry in ClinVar:

ClinVar aggregate classification (germline): Likely benign (1 of 4 stars; one submission).

Allele frequency attached by ClinVar (database versions not stated): gnomAD exomes below 0.00001; gnomAD 0.00001; ExAC 0.00002; TOPMed 0.00002.
gnomAD v4.1: 26 of 1,614,092 alleles (0.0016%); highest among the groups gnomAD compares: East Asian, 0.0067%; 1 homozygote.

Submission:

CeGaT Center for Human Genetics Tuebingen
Classification: Likely benign. Last evaluated: 2023-03-01. Review status: criteria provided, single submitter. Criteria: CeGaT Center For Human Genetics Tuebingen Variant Classification Criteria Version 2. Collection method: clinical testing. Allele origin: germline. Affected: yes. Observed: 1 variant allele.
Comment: TIMELESS: BP4, BP7

NM_003920.5(TIMELESS):c.3450A>G (p.Pro1150=)

Gene: TIMELESS (timeless circadian regulator; minus strand). Cytogenetic location: 12q13.3.
Variant type: single nucleotide variant.
Coding change: c.3450A>G on transcript NM_003920.5 (MANE Select); coding-DNA position 3450, A replaced by G.
Protein change: p.Pro1150=; no amino-acid change (proline 1150 retained).
Molecular consequence: synonymous variant. On other transcripts: non-coding transcript variant (1).
Genome position (GRCh38, 1-based): chr12:56,418,138, T>C on the plus strand (A>G on the coding strand, the complement: TIMELESS is on the minus strand). VCF-style: chr12-56418138-T-C. GRCh37 (hg19) VCF-style: chr12-56811922-T-C.
Other names: c.3447A>G, p.Pro1149= (NM_001330295.2).
Identifiers: ClinVar variation 2643092 (VCV002643092.24), dbSNP rs753246427, ClinGen allele CA6631286.